The following is an entry in ClinVar:

ClinVar aggregate classification (germline): Uncertain significance. Review status: criteria provided, multiple submitters, no conflicts (2 of 4 stars). 2 submissions from 2 submitters: Uncertain significance (2). Last evaluated 2025-04-11.

Conditions:
Inborn genetic diseases. Identifiers: MedGen C0950123, MeSH D030342.

gnomAD v4.1: 19 of 1,607,894 alleles (0.0012%); highest among the groups gnomAD compares: Non-Finnish European, 0.0014%; no homozygotes.

Submissions (2):

Ambry Genetics
Classification: Uncertain significance for Inborn genetic diseases. Last evaluated: 2025-04-11. Review status: criteria provided, single submitter. Criteria: Ambry Variant Classification Scheme 2023. Collection method: clinical testing. Allele origin: germline.
Comment: The p.M672V variant (also known as c.2014A>G), located in coding exon 14 of the KRIT1 gene, results from an A to G substitution at nucleotide position 2014. The methionine at codon 672 is replaced by valine, an amino acid with highly similar properties. This amino acid position is conserved. In addition, the in silico prediction for this alteration is inconclusive. Based on the available evidence, the clinical significance of this variant remains unclear.

Women's Health and Genetics/Laboratory Corporation of America, LabCorp
Classification: Uncertain significance. Last evaluated: 2024-07-24. Review status: criteria provided, single submitter. Criteria: LabCorp Variant Classification Summary - May 2015. Collection method: clinical testing. Allele origin: germline.
Comment: Variant summary: KRIT1 c.2014A>G (p.Met672Val) results in a conservative amino acid change located in the FERM domain (IPR000299) of the encoded protein sequence. Four of five in-silico tools predict a benign effect of the variant on protein function. The variant allele was found at a frequency of 4e-06 in 250364 control chromosomes. The available data on variant occurrences in the general population are insufficient to allow any conclusion about variant significance. To our knowledge, no occurrence of c.2014A>G in individuals affected with KRIT1-Related Disorders and no experimental evidence demonstrating its impact on protein function have been reported. No submitters have cited clinical-significance assessments for this variant to ClinVar. Based on the evidence outlined above, the variant was classified as uncertain significance.

NM_194454.3(KRIT1):c.2014A>G (p.Met672Val)

Gene: KRIT1 (KRIT1 ankyrin repeat containing; minus strand). Cytogenetic location: 7q21.2.
Variant type: single nucleotide variant.
Coding change: c.2014A>G on transcript NM_194454.3 (MANE Select); coding-DNA position 2014, A replaced by G.
Protein change: p.Met672Val; replaces methionine 672 with valine.
Molecular consequence: missense variant.
Genome position (GRCh38, 1-based): chr7:92,213,206, T>C on the plus strand (A>G on the coding strand, the complement: KRIT1 is on the minus strand). VCF-style: chr7-92213206-T-C. GRCh37 (hg19) VCF-style: chr7-91842520-T-C.
Other names: c.1870A>G, p.Met624Val (NM_001013406.2, NM_001350669.1, NM_001350670.1); c.1300A>G, p.Met434Val (NM_001350671.1); c.2014A>G, p.Met672Val (NM_001350672.1, NM_001350673.1, NM_001350674.1 and 26 more transcripts); short protein forms M434V, M624V, M672V.
Identifiers: ClinVar variation 3339366 (VCV003339366.2).
Genomic context (GRCh38, chr7:92,213,206, plus strand): 5'-GTTTTAACTATTATATGACATGATTGGTAAAAAAGAGCTGAAAATCTACCTTAGTTTCCA[T>C]GTTGAGGAGATGAAGTCCTTTTATATTCACTCCTACATACACAGGGATGACTTTATGATT-3'
Protein context (NP_919436.1, residues 662-682): VNIKGLHLLN[Met672Val]ETKALLISLK